The following is an entry in ClinVar:

ClinVar aggregate classification (germline): Uncertain significance (1 of 4 stars; one submission).

Submission:

GeneDx
Classification: Uncertain significance. Last evaluated: 2026-02-04. Review status: criteria provided, single submitter. Criteria: GeneDx Variant Classification Process June 2021. Collection method: clinical testing. Allele origin: germline.
Comment: Not observed at significant frequency in large population cohorts (gnomAD); In silico analysis suggests that this missense variant does not alter protein structure/function; Has not been previously published as pathogenic or benign to our knowledge

NM_006386.5(DDX17):c.824G>C (p.Ser275Thr)

Gene: DDX17 (DEAD-box helicase 17; minus strand). Cytogenetic location: 22q13.1.
Variant type: single nucleotide variant.
Coding change: c.824G>C on transcript NM_006386.5 (MANE Select); coding-DNA position 824, G replaced by C.
Protein change: p.Ser275Thr; replaces serine 275 with threonine.
Molecular consequence: missense variant.
Genome position (GRCh38, 1-based): chr22:38,495,852, C>G on the plus strand (G>C on the coding strand, the complement: DDX17 is on the minus strand). VCF-style: chr22-38495852-C-G. GRCh37 (hg19) VCF-style: chr22-38891857-C-G.
Other names: c.824G>C, p.Ser275Thr (NM_001098504.2); short protein forms S275T.
Identifiers: ClinVar variation 4976071 (VCV004976071.1).